The following is an entry in ClinVar:

ClinVar aggregate classification (germline): Uncertain significance (1 of 4 stars; one submission).

Submission:

Ambry Genetics
Classification: Uncertain significance. Last evaluated: 2022-01-31. Review status: criteria provided, single submitter. Criteria: Ambry Variant Classification Scheme 2023. Collection method: clinical testing. Allele origin: germline.
Comment: The p.R171L variant (also known as c.512G>T), located in coding exon 7 of the RAD54L gene, results from a G to T substitution at nucleotide position 512. The arginine at codon 171 is replaced by leucine, an amino acid with dissimilar properties. This amino acid position is conserved. In addition, this alteration is predicted to be deleterious by in silico analysis. Since supporting evidence is limited at this time, the clinical significance of this alteration remains unclear.

NM_003579.4(RAD54L):c.512G>T (p.Arg171Leu)

Gene: RAD54L (RAD54 like; plus strand). Cytogenetic location: 1p34.1.
Variant type: single nucleotide variant.
Coding change: c.512G>T on transcript NM_003579.4 (MANE Select); coding-DNA position 512, G replaced by T.
Protein change: p.Arg171Leu; replaces arginine 171 with leucine.
Molecular consequence: missense variant. On other transcripts: 5 prime UTR variant (1).
Genome position (GRCh38, 1-based): chr1:46,260,761, G>T. VCF-style: chr1-46260761-G-T. GRCh37 (hg19) VCF-style: chr1-46726433-G-T.
Other names: c.512G>T, p.Arg171Leu (NM_001142548.2); c.-29G>T (NM_001370766.1); short protein forms R171L.
Identifiers: ClinVar variation 1745539 (VCV001745539.2), dbSNP rs145441107, ClinGen allele CA340185659.